The following is an entry in ClinVar:

ClinVar aggregate classification (germline): Uncertain significance (1 of 4 stars; one submission).

Submission:

Women's Health and Genetics/Laboratory Corporation of America, LabCorp
Classification: Uncertain significance. Last evaluated: 2024-10-16. Review status: criteria provided, single submitter. Criteria: LabCorp Variant Classification Summary - May 2015. Collection method: clinical testing. Allele origin: germline.
Comment: Variant summary: MYT1L c.757T>A (p.Leu253Ile) results in a conservative amino acid change in the encoded protein sequence. Four of five in-silico tools predict a benign effect of the variant on protein function. The variant was absent in 249306 control chromosomes (gnomAD). The available data on variant occurrences in the general population are insufficient to allow any conclusion about variant significance. To our knowledge, no occurrence of c.757T>A in individuals affected with Mental Retardation, Autosomal Dominant 39 and no experimental evidence demonstrating its impact on protein function have been reported. No submitters have cited clinical-significance assessments for this variant to ClinVar. Based on the evidence outlined above, the variant was classified as uncertain significance.

NM_001303052.2(MYT1L):c.757T>A (p.Leu253Ile)

Gene: MYT1L (myelin transcription factor 1 like; minus strand). Cytogenetic location: 2p25.3.
Variant type: single nucleotide variant.
Coding change: c.757T>A on transcript NM_001303052.2 (MANE Select); coding-DNA position 757, T replaced by A.
Protein change: p.Leu253Ile; replaces leucine 253 with isoleucine.
Molecular consequence: missense variant.
Genome position (GRCh38, 1-based): chr2:1,923,012, A>T on the plus strand (T>A on the coding strand, the complement: MYT1L is on the minus strand). VCF-style: chr2-1923012-A-T. GRCh37 (hg19) VCF-style: chr2-1926784-A-T.
Other names: c.757T>A, p.Leu253Ile (NM_001329844.2, NM_001329845.1, NM_001329846.3 and 6 more transcripts); short protein forms L253I.
Identifiers: ClinVar variation 3385271 (VCV003385271.1).
Genomic context (GRCh38, chr2:1,923,012, plus strand): 5'-CGTGTCCTTGGGCTAATAGTTTAAGGGAGTCCACTGTTTCTCTAACAACATCACTGTCTA[A>T]GTCTAAACTCAACTCACTTTTCCGACCCAGGTTTTCGTTTTTGTCACTATCGTCTTCCAG-3'
Protein context (NP_001289981.1, residues 243-263): LGRKSELSLD[Leu253Ile]DSDVVRETVD